The following is an entry in ClinVar:

NC_000023.10:g.(?_153577217)_(153609557_?)dup

Genes: FLNA (filamin A; minus strand), EMD (emerin; plus strand). Cytogenetic location: Xq28.
Variant type: Duplication.
Identifiers: ClinVar variation 584205 (VCV000584205.1).

ClinVar aggregate classification (germline): Uncertain significance (1 of 4 stars; one submission).

Conditions:
X-linked Emery-Dreifuss muscular dystrophy. Also called: Muscular dystrophy, tardive Emery-Dreifuss type, with contractures. Identifiers: Orphanet 261, Orphanet 98863, MedGen C0751337, MONDO:0010680.

Submission:

Labcorp Genetics (formerly Invitae), Labcorp
Classification: Uncertain significance for Emery-Dreifuss muscular dystrophy 1, X-linked. Last evaluated: 2018-01-30. Review status: criteria provided, single submitter. Criteria: Invitae Variant Classification Sherloc (09022015). Collection method: clinical testing. Allele origin: germline.
Comment: A gross duplication of the genomic region encompassing the full coding sequence of the EMD gene has been identified. The boundaries of this event are unknown as the duplication extends beyond the assayed region for this gene and therefore may encompass additional genes. As the precise location of this duplication is unknown, it may be in tandem or it may be located elsewhere in the genome. Isolated whole-gene duplications of EMD have not been reported in the literature. However, larger copy number events that include this gene have been reported (PMID: 16080119, 23169761). In summary, the available evidence is currently insufficient to determine the role of this variant in disease. Therefore, it has been classified as a Variant of Uncertain Significance.

Literature cited by the submitters: PubMed 23169761; PubMed 16080119.